The following is an entry in ClinVar:

NM_138477.4(CDAN1):c.3062dup (p.Pro1022fs)

Gene: CDAN1 (codanin 1; minus strand). Cytogenetic location: 15q15.2.
Variant type: Duplication.
Coding change: c.3062dup on transcript NM_138477.4 (MANE Select); coding-DNA position 3062, one base duplicated (C; older notation c.3062dupC).
Protein change: p.Pro1022fs; shifts the reading frame from proline 1022.
Molecular consequence: frameshift variant.
Genome position (GRCh38, 1-based): chr15:42,727,655, G duplicated on the plus strand (C on the coding strand, the reverse complement: CDAN1 is on the minus strand). VCF-style (leftmost placement, unchanged base first): chr15-42727654-A-AG. GRCh37 (hg19) VCF-style: chr15-43019852-A-AG.
Other names: short protein forms P1022fs.
Identifiers: ClinVar variation 2132828 (VCV002132828.1), dbSNP rs2506077768, ClinGen allele CA2580089420.

ClinVar aggregate classification (germline): Pathogenic (1 of 4 stars; one submission).

Submission:

Labcorp Genetics (formerly Invitae), Labcorp
Classification: Pathogenic. Last evaluated: 2022-05-19. Review status: criteria provided, single submitter. Criteria: Invitae Variant Classification Sherloc (09022015). Collection method: clinical testing. Allele origin: germline.
Comment: This sequence change creates a premature translational stop signal (p.Pro1022Serfs*24) in the CDAN1 gene. It is expected to result in an absent or disrupted protein product. Loss-of-function variants in CDAN1 are known to be pathogenic (PMID: 16098079, 16141353). This variant is not present in population databases (gnomAD no frequency). This variant has not been reported in the literature in individuals affected with CDAN1-related conditions. For these reasons, this variant has been classified as Pathogenic.

Literature cited by the submitters: PubMed 16098079; PubMed 16141353.